The following is an entry in ClinVar:

NM_001042492.3(NF1):c.4106_4110+4dup

Gene: NF1 (neurofibromin 1; plus strand). Cytogenetic location: 17q11.2.
Variant type: Duplication.
Coding change: c.4106_4110+4dup on transcript NM_001042492.3 (MANE Select); coding-DNA position 4106 through 4 bases into the intron after coding-DNA position 4110, 9 bases duplicated (ACCAGGTAT; older notation c.4106_4110+4dupACCAGGTAT).
Molecular consequence: splice donor variant.
Genome position (GRCh38, 1-based): chr17:31,249,115-31,249,123, ACCAGGTAT duplicated; duplicating any 9 consecutive bases within chr17:31,249,112-31,249,123 gives the same sequence; the c. name uses the placement nearest the transcript's 3' end. VCF-style (leftmost placement, unchanged base first): chr17-31249111-T-TTATACCAGG. GRCh37 (hg19) VCF-style: chr17-29576129-T-TTATACCAGG.
Other names: c.4106_4110+4dupACCAGGTAT (NM_000267.3); c.4106_4110+4dup (NM_000267.4).
Identifiers: ClinVar variation 3879066 (VCV003879066.1).
Genomic context (GRCh38, chr17:31,249,111, plus strand): 5'-CATGCCATCATCAGTTCCTCCTCAGAATTCCCCCCTCAACTTCGAAGTGTGTGCCACTGT[T>TTATACCAGG]TATACCAGGTATGCTTACAGTTAGAGATTACCATTATTAATCTAAAGTTAAATTATGAAG-3'

ClinVar aggregate classification (germline): Uncertain significance (1 of 4 stars; one submission).

Conditions:
Cardiovascular phenotype. Identifiers: MedGen CN230736.
Hereditary cancer-predisposing syndrome. Also called: Tumor predisposition; Neoplastic Syndromes, Hereditary; Hereditary Cancer Syndrome; Hereditary neoplastic syndrome. Identifiers: Orphanet 140162, MedGen C0027672, MeSH D009386, MONDO:0015356.

Submission:

Ambry Genetics
Classification: Uncertain significance for Cardiovascular phenotype; Hereditary cancer-predisposing syndrome. Last evaluated: 2025-02-12. Review status: criteria provided, single submitter. Criteria: Ambry Variant Classification Scheme 2023. Collection method: clinical testing. Allele origin: germline.
Comment: The c.4106_4110+4dupACCAGGTAT variant results from a duplication of 9 nucleotides between positions 4106 and 4110+4 and involves the canonical splice donor site after coding exon 30 of the NF1 gene. In silico splice site analysis predicts that this alteration will result in the creation or strengthening of a novel splice donor site; however, direct evidence is insufficient at this time (Ambry internal data). The canonical splice donor site is highly conserved in available vertebrate species. Based on the available evidence, the clinical significance of this variant remains unclear.